The following is an entry in ClinVar:

ClinVar aggregate classification (germline): Conflicting classifications of pathogenicity. Review status: criteria provided, conflicting classifications (1 of 4 stars). 3 submissions from 3 submitters: Uncertain significance (1); Benign (1); Likely benign (1). Last evaluated 2026-05-15.

Conditions:
Juvenile myelomonocytic leukemia (JMML). Also called: LEUKEMIA, JUVENILE MYELOMONOCYTIC, SOMATIC. Identifiers: Orphanet 86834, MedGen C0349639, MONDO:0011908, OMIM 607785, HP:0012209.
Neurofibromatosis-Noonan syndrome (NFNS). Also called: NEUROFIBROMATOSIS WITH NOONAN PHENOTYPE. Identifiers: Orphanet 638, MedGen C2931482, MONDO:0011035, OMIM 601321. Disease mechanism: loss of function.
Neurofibromatosis, familial spinal (FSNF). Identifiers: Orphanet 636, MedGen C1834235, MONDO:0008078, OMIM 162210. Disease mechanism: loss of function.
Neurofibromatosis, type 1 (NF1). Also called: VON RECKLINGHAUSEN DISEASE; Neurofibromatosis, type I; NEUROFIBROMATOSIS, TYPE I, SOMATIC; Peripheral type neurofibromatosis. Identifiers: Orphanet 636, MedGen C0027831, MONDO:0018975, OMIM 162200. Disease mechanism: loss of function.
Café-au-lait macules with pulmonary stenosis (WTSN). Also called: PULMONIC STENOSIS WITH CAFE-AU-LAIT SPOTS. Identifiers: MedGen C0553586, MONDO:0008672, OMIM 193520.

Allele frequency attached by ClinVar (database versions not stated): TOPMed below 0.00001.
gnomAD v4.1: 8 of 1,587,534 alleles (0.0005%); highest among the groups gnomAD compares: Non-Finnish European, 0.00069%; no homozygotes.

Submissions (3):

Myriad Genetics, Inc.
Classification: Benign for Neurofibromatosis, type 1. Last evaluated: 2026-05-15. Review status: criteria provided, single submitter. Criteria: Myriad Autosomal Dominant, Autosomal Recessive and X-Linked Classification Criteria (2023). Collection method: clinical testing. Allele origin: unknown.
Comment: This variant is considered benign. This variant is intronic and is not expected to impact mRNA splicing.

Labcorp Genetics (formerly Invitae), Labcorp
Classification: Likely benign for Neurofibromatosis, type 1. Last evaluated: 2025-12-06. Review status: criteria provided, single submitter. Criteria: Invitae Variant Classification Sherloc (09022015). Collection method: clinical testing. Allele origin: germline.

Fulgent Genetics
Classification: Uncertain significance for Neurofibromatosis, type 1; Neurofibromatosis, familial spinal; Café-au-lait macules with pulmonary stenosis; Neurofibromatosis-Noonan syndrome; Juvenile myelomonocytic leukemia. Last evaluated: 2024-01-19. Review status: criteria provided, single submitter. Criteria: ACMG Guidelines, 2015. Collection method: clinical testing. Allele origin: germline.

NM_001042492.3(NF1):c.1260+16A>G

Gene: NF1 (neurofibromin 1; plus strand). Cytogenetic location: 17q11.2.
Variant type: single nucleotide variant.
Coding change: c.1260+16A>G on transcript NM_001042492.3 (MANE Select); 16 bases into the intron after coding-DNA position 1260, A replaced by G.
Molecular consequence: intron variant.
Genome position (GRCh38, 1-based): chr17:31,201,501, A>G. VCF-style: chr17-31201501-A-G. GRCh37 (hg19) VCF-style: chr17-29528519-A-G.
Other names: c.1260+16A>G (NM_000267.4, NM_001128147.3).
Identifiers: ClinVar variation 1565577 (VCV001565577.10), dbSNP rs2066529931, ClinGen allele CA2255550837.